The following is an entry in ClinVar:

NM_138387.4(G6PC3):c.464del (p.Leu155fs)

Gene: G6PC3 (glucose-6-phosphatase catalytic subunit 3; plus strand). Cytogenetic location: 17q21.31.
Variant type: Deletion.
Coding change: c.464del on transcript NM_138387.4 (MANE Select); coding-DNA position 464, one base deleted (T; older notation c.464delT).
Protein change: p.Leu155fs; shifts the reading frame from leucine 155.
Molecular consequence: frameshift variant. On other transcripts: intron variant (1).
Genome position (GRCh38, 1-based): chr17:44,075,016, T deleted; the last of 4 consecutive T bases (chr17:44,075,013-44,075,016); deleting any one gives the same sequence. VCF-style (leftmost placement, unchanged base first): chr17-44075012-CT-C. GRCh37 (hg19) VCF-style: chr17-42152380-CT-C.
Other names: c.119del, p.Leu40fs (NM_001384165.1, NM_001384166.1, NM_001384167.1 and 1 more transcripts); c.416+246del (NM_001319945.2); short protein forms L155fs, L40fs.
Identifiers: ClinVar variation 935219 (VCV000935219.7), dbSNP rs1295168770, ClinGen allele CA626222908.
Genomic context (GRCh38, chr17:44,075,012, plus strand): 5'-GCCTCTCTTCTTTCTAGCCGCTGGGTAAGGGTGATGCCTAGCCTGGCTTATTGCACCTTC[CT>C]TTTGGCGGTTGGCTTGTCGCGAATCTTCATCTTAGCACATTTCCCTCACCAGGTGCTGGC-3'

ClinVar aggregate classification (germline): Pathogenic (1 of 4 stars; one submission).

Conditions:
Autosomal recessive severe congenital neutropenia due to G6PC3 deficiency. Also called: NEUTROPENIA, SEVERE CONGENITAL, 4, AUTOSOMAL RECESSIVE; G6PC3 Deficiency. Identifiers: Orphanet 331176, MedGen C2751630, MONDO:0012930, OMIM 612541.

Submission:

Labcorp Genetics (formerly Invitae), Labcorp
Classification: Pathogenic for Autosomal recessive severe congenital neutropenia due to G6PC3 deficiency. Last evaluated: 2023-10-03. Review status: criteria provided, single submitter. Criteria: Invitae Variant Classification Sherloc (09022015). Collection method: clinical testing. Allele origin: germline.
Comment: This sequence change creates a premature translational stop signal (p.Leu155Trpfs*11) in the G6PC3 gene. It is expected to result in an absent or disrupted protein product. Loss-of-function variants in G6PC3 are known to be pathogenic (PMID: 19118303, 25491320). This variant is present in population databases (no rsID available, gnomAD 0.0009%). This variant has not been reported in the literature in individuals affected with G6PC3-related conditions. ClinVar contains an entry for this variant (Variation ID: 935219). For these reasons, this variant has been classified as Pathogenic.

Literature cited by the submitters: PubMed 19118303; PubMed 25491320.